The following is an entry in ClinVar:

ClinVar aggregate classification (germline): Uncertain significance (1 of 4 stars; one submission).

Conditions:
Vici syndrome (VICIS). Identifiers: Orphanet 1493, MedGen C1855772, MONDO:0009452, OMIM 242840.

Allele frequency attached by ClinVar (database versions not stated): TOPMed below 0.00001; ExAC 0.00005.
gnomAD v4.1: 14 of 1,613,638 alleles (0.00087%); highest among the groups gnomAD compares: Non-Finnish European, 0.001%; no homozygotes.

Submission:

Labcorp Genetics (formerly Invitae), Labcorp
Classification: Uncertain significance for Vici syndrome. Last evaluated: 2022-06-07. Review status: criteria provided, single submitter. Criteria: Invitae Variant Classification Sherloc (09022015). Collection method: clinical testing. Allele origin: germline.
Comment: This sequence change replaces alanine, which is neutral and non-polar, with serine, which is neutral and polar, at codon 155 of the EPG5 protein (p.Ala155Ser). This variant is present in population databases (rs747965536, gnomAD 0.008%). This variant has not been reported in the literature in individuals affected with EPG5-related conditions. Algorithms developed to predict the effect of missense changes on protein structure and function (SIFT, PolyPhen-2, Align-GVGD) all suggest that this variant is likely to be tolerated. In summary, the available evidence is currently insufficient to determine the role of this variant in disease. Therefore, it has been classified as a Variant of Uncertain Significance.

NM_020964.3(EPG5):c.463G>T (p.Ala155Ser)

Gene: EPG5 (ectopic P-granules 5 autophagy tethering factor; minus strand). Cytogenetic location: 18q21.1.
Variant type: single nucleotide variant.
Coding change: c.463G>T on transcript NM_020964.3 (MANE Select); coding-DNA position 463, G replaced by T.
Protein change: p.Ala155Ser; replaces alanine 155 with serine.
Molecular consequence: missense variant.
Genome position (GRCh38, 1-based): chr18:45,954,939, C>A on the plus strand (G>T on the coding strand, the complement: EPG5 is on the minus strand). VCF-style: chr18-45954939-C-A. GRCh37 (hg19) VCF-style: chr18-43534905-C-A.
Other names: c.463G>T, p.Ala155Ser (NM_001410858.1, NM_001410859.1); short protein forms A155S.
Identifiers: ClinVar variation 2167381 (VCV002167381.1), dbSNP rs747965536, ClinGen allele CA8949942.